The following is an entry in ClinVar:

NM_001943.5(DSG2):c.1520G>C (p.Cys507Ser)

Gene: DSG2 (desmoglein 2; plus strand). Cytogenetic location: 18q12.1.
Variant type: single nucleotide variant.
Coding change: c.1520G>C on transcript NM_001943.5 (MANE Select); coding-DNA position 1520, G replaced by C.
Protein change: p.Cys507Ser; replaces cysteine 507 with serine.
Molecular consequence: missense variant.
Genome position (GRCh38, 1-based): chr18:31,536,298, G>C. VCF-style: chr18-31536298-G-C. GRCh37 (hg19) VCF-style: chr18-29116261-G-C.
Other names: short protein forms C507S.
Identifiers: ClinVar variation 924915 (VCV000924915.3), dbSNP rs121913009, ClinGen allele CA402141601.

ClinVar aggregate classification (germline): Uncertain significance (1 of 4 stars; one submission).

Conditions:
Cardiomyopathy (CMYO). Also called: Cardiomyopathies. Identifiers: Orphanet 167848, MedGen C0878544, MONDO:0004994, HP:0001638. Inheritance: Various modes of inheritance.

Submission:

Color Diagnostics, LLC DBA Color Health
Classification: Uncertain significance for Cardiomyopathy. Last evaluated: 2019-01-05. Review status: criteria provided, single submitter. Criteria: ACMG Guidelines, 2015. Collection method: clinical testing. Allele origin: germline.
Comment: Variant of Uncertain Significance due to insufficient evidence: This missense variant replaces cysteine with serine at codon 507 of the DSG2 protein. Computational prediction tools and conservation analyses suggest that this variant may have deleterious impact on the protein function. Computational splicing tools suggest that this variant may not impact RNA splicing. To our knowledge, functional assays have not been performed for this variant nor has this variant been reported in individuals affected with cardiovascular disorders in the literature. This variant is rare in the general population and has been identified in 0/277264 chromosomes by the Genome Aggregation Database (gnomAD). Available evidence is insufficient to determine the role of this variant in disease conclusively.